The following is an entry in ClinVar:

NM_000435.3(NOTCH3):c.733T>C (p.Cys245Arg)

Gene: NOTCH3 (notch receptor 3; minus strand). Cytogenetic location: 19p13.12.
Variant type: single nucleotide variant.
Coding change: c.733T>C on transcript NM_000435.3 (MANE Select); coding-DNA position 733, T replaced by C.
Protein change: p.Cys245Arg; replaces cysteine 245 with arginine.
Molecular consequence: missense variant.
Genome position (GRCh38, 1-based): chr19:15,191,814, A>G on the plus strand (T>C on the coding strand, the complement: NOTCH3 is on the minus strand). VCF-style: chr19-15191814-A-G. GRCh37 (hg19) VCF-style: chr19-15302625-A-G.
Other names: short protein forms C245R.
Identifiers: ClinVar variation 1496255 (VCV001496255.8), dbSNP rs2145440767, ClinGen allele CA404532652.

ClinVar aggregate classification (germline): Uncertain significance (1 of 4 stars; one submission).

Submission:

Labcorp Genetics (formerly Invitae), Labcorp
Classification: Uncertain significance. Last evaluated: 2021-03-25. Review status: criteria provided, single submitter. Criteria: Invitae Variant Classification Sherloc (09022015). Collection method: clinical testing. Allele origin: germline.
Comment: This variant disrupts the p.Cys245 amino acid residue in NOTCH3. Other variant(s) that disrupt this residue have been observed in individuals with NOTCH3-related conditions (PMID: 22688109, 28991717), which suggests that this may be a clinically significant amino acid residue. This sequence change replaces cysteine with arginine at codon 245 of the NOTCH3 protein (p.Cys245Arg). The cysteine residue is highly conserved and there is a large physicochemical difference between cysteine and arginine. This variant is not present in population databases (ExAC no frequency). This variant has been observed in individual(s) with CADASIL (PMID: 15364702, 16009764). Advanced modeling of protein sequence and biophysical properties (such as structural, functional, and spatial information, amino acid conservation, physicochemical variation, residue mobility, and thermodynamic stability) performed at Invitae indicates that this missense variant is expected to disrupt NOTCH3 protein function. In summary, the available evidence is currently insufficient to determine the role of this variant in disease. Therefore, it has been classified as a Variant of Uncertain Significance.

Literature cited by the submitters: PubMed 22688109; PubMed 28991717; PubMed 15364702; PubMed 16009764.